The following is an entry in ClinVar:

NM_139027.6(ADAMTS13):c.3763G>A (p.Val1255Met)

Gene: ADAMTS13 (ADAM metallopeptidase with thrombospondin type 1 motif 13; plus strand). Cytogenetic location: 9q34.2.
Variant type: single nucleotide variant.
Coding change: c.3763G>A on transcript NM_139027.6 (MANE Select); coding-DNA position 3763, G replaced by A.
Protein change: p.Val1255Met; replaces valine 1255 with methionine.
Molecular consequence: missense variant.
Genome position (GRCh38, 1-based): chr9:133,457,948, G>A. VCF-style: chr9-133457948-G-A. GRCh37 (hg19) VCF-style: chr9-136323070-G-A.
Other names: c.3931G>A, p.Val1311Met (NM_139025.5); c.3670G>A, p.Val1224Met (NM_139026.6); c.3931G>A (NM_139025.3); short protein forms V1311M, V1224M, V1255M.
Identifiers: ClinVar variation 2187587 (VCV002187587.3), dbSNP rs782025840, ClinGen allele CA200946674.
Genomic context (GRCh38, chr9:133,457,948, plus strand): 5'-TGTCCCTATGTCCCACCTGCAGAATGTGACATGCAGCTCTTTGGGCCCTGGGGTGAAATC[G>A]TGAGCCCCTCGCTGAGTCCAGCCACGAGTAATGCAGGGGGCTGCCGGCTCTTCATTAATG-3'
Protein context (NP_620596.2, residues 1245-1265): MQLFGPWGEI[Val1255Met]SPSLSPATSN

ClinVar aggregate classification (germline): Uncertain significance. Review status: criteria provided, multiple submitters, no conflicts (2 of 4 stars). 2 submissions from 2 submitters: Uncertain significance (2). Last evaluated 2024-10-03.

Conditions:
Inborn genetic diseases. Identifiers: MedGen C0950123, MeSH D030342.

Allele frequency attached by ClinVar (database versions not stated): gnomAD exomes 0.00001; ExAC 0.00002; TOPMed 0.00002; gnomAD 0.00003.
gnomAD v4.1: 16 of 1,613,694 alleles (0.00099%); highest among the groups gnomAD compares: African/African-American, 0.0027%; no homozygotes.

Submissions (2):

Ambry Genetics
Classification: Uncertain significance for Inborn genetic diseases. Last evaluated: 2024-10-03. Review status: criteria provided, single submitter. Criteria: Ambry Variant Classification Scheme 2023. Collection method: clinical testing. Allele origin: germline.

Labcorp Genetics (formerly Invitae), Labcorp
Classification: Uncertain significance. Last evaluated: 2023-08-24. Review status: criteria provided, single submitter. Criteria: Invitae Variant Classification Sherloc (09022015). Collection method: clinical testing. Allele origin: germline.
Comment: This sequence change replaces valine, which is neutral and non-polar, with methionine, which is neutral and non-polar, at codon 1311 of the ADAMTS13 protein (p.Val1311Met). The frequency data for this variant in the population databases is considered unreliable, as metrics indicate poor data quality at this position in the gnomAD database. This variant has not been reported in the literature in individuals affected with ADAMTS13-related conditions. ClinVar contains an entry for this variant (Variation ID: 2187587). An algorithm developed to predict the effect of missense changes on protein structure and function (PolyPhen-2) suggests that this variant¬†is likely to be tolerated. In summary, the available evidence is currently insufficient to determine the role of this variant in disease. Therefore, it has been classified as a Variant of Uncertain Significance.